The following is an entry in ClinVar:

NM_000059.4(BRCA2):c.2596G>A (p.Glu866Lys)

Gene: BRCA2 (BRCA2 DNA repair associated; plus strand). Cytogenetic location: 13q13.1.
Variant type: single nucleotide variant.
Coding change: c.2596G>A on transcript NM_000059.4 (MANE Select); coding-DNA position 2596, G replaced by A.
Protein change: p.Glu866Lys; replaces glutamic acid 866 with lysine.
Molecular consequence: missense variant.
Genome position (GRCh38, 1-based): chr13:32,336,951, G>A. VCF-style: chr13-32336951-G-A. GRCh37 (hg19) VCF-style: chr13-32911088-G-A.
Other names: short protein forms E866K.
Identifiers: ClinVar variation 481515 (VCV000481515.18), dbSNP rs864622476, ClinGen allele CA387772620.

ClinVar aggregate classification (germline): Conflicting classifications of pathogenicity. Review status: criteria provided, conflicting classifications (1 of 4 stars). 6 submissions from 5 submitters: Uncertain significance (5); Likely benign (1). Last evaluated 2024-08-06.

Conditions:
BRCA2-related cancer predisposition. Identifiers: MedGen CN377758, MONDO:0700269.
Hereditary cancer-predisposing syndrome. Also called: Hereditary neoplastic syndrome; Neoplastic Syndromes, Hereditary; Tumor predisposition; Hereditary Cancer Syndrome. Identifiers: Orphanet 140162, MedGen C0027672, MeSH D009386, MONDO:0015356.
Hereditary breast ovarian cancer syndrome. Also called: Hereditary breast and ovarian cancer syndrome (HBOC); Breast and ovarian cancer; Hereditary breast and ovarian cancer syndrome; Hereditary breast and ovarian cancer; Hereditary breast and/or ovarian cancer syndrome; BRCA1- and BRCA2-Associated Hereditary Breast and Ovarian Cancer. Identifiers: Orphanet 145, MedGen C0677776, MeSH D061325, MONDO:0003582. Disease mechanism: loss of function.
Fanconi anemia complementation group D1. Also called: BRCA2-Related Fanconi Anemia. Identifiers: Orphanet 319462, MedGen C1838457, MONDO:0011584, OMIM 605724.
Breast-ovarian cancer, familial, susceptibility to, 2 (BROVCA2). Also called: BRCA2 Hereditary Breast and Ovarian Cancer. Identifiers: Orphanet 145, MedGen C2675520, MONDO:0012933, OMIM 612555. Disease mechanism: loss of function.

Allele frequency attached by ClinVar (database versions not stated): TOPMed below 0.00001.
gnomAD v4.1: 1 of 1,586,548 alleles (0.000063%); highest among the groups gnomAD compares: Non-Finnish European, 0.000085%; no homozygotes.

Submissions (6):

All of Us Research Program, National Institutes of Health
Classification: Uncertain significance for BRCA2-related cancer predisposition. Last evaluated: 2024-08-06. Review status: criteria provided, single submitter. Criteria: ACMG Guidelines, 2015. Collection method: clinical testing. Allele origin: germline. Inheritance: Autosomal dominant inheritance. Observed: 1 variant allele, 1 heterozygote.
Comment: This study involves interpretation of variants in research participants for the purpose of population health screening. Participant phenotype was not available at the time of variant classification. Additional details can be found in publication PMID: 35346344, PMCID: PMC8962531

Labcorp Genetics (formerly Invitae), Labcorp
Classification: Uncertain significance for Hereditary breast ovarian cancer syndrome. Last evaluated: 2024-06-29. Review status: criteria provided, single submitter. Criteria: Invitae Variant Classification Sherloc (09022015). Collection method: clinical testing. Allele origin: germline.
Comment: This sequence change replaces glutamic acid, which is acidic and polar, with lysine, which is basic and polar, at codon 866 of the BRCA2 protein (p.Glu866Lys). This variant is not present in population databases (gnomAD no frequency). This variant has not been reported in the literature in individuals affected with BRCA2-related conditions. ClinVar contains an entry for this variant (Variation ID: 481515). Advanced modeling of protein sequence and biophysical properties (such as structural, functional, and spatial information, amino acid conservation, physicochemical variation, residue mobility, and thermodynamic stability) performed at Invitae indicates that this missense variant is not expected to disrupt BRCA2 protein function with a negative predictive value of 95%. In summary, the available evidence is currently insufficient to determine the role of this variant in disease. Therefore, it has been classified as a Variant of Uncertain Significance.

University of Washington Department of Laboratory Medicine, University of Washington
Classification: Likely benign for Hereditary cancer-predisposing syndrome. Last evaluated: 2023-03-23. Review status: criteria provided, single submitter. Criteria: Dines et al. (Genet Med. 2020). Collection method: curation. Allele origin: germline.
Comment: Missense variant in a coldspot region where missense variants are very unlikely to be pathogenic (PMID:31911673).

BRCA2 exon 11 coldspot. Reclassification based on statistical prior probability.

Illumina Laboratory Services, Illumina
Classification: Uncertain significance for Breast-ovarian cancer, familial, susceptibility to, 2. Last evaluated: 2018-01-12. Review status: criteria provided, single submitter. Criteria: ICSL Variant Classification Criteria 13 December 2019. Collection method: clinical testing. Allele origin: germline.

Illumina Laboratory Services, Illumina
Classification: Uncertain significance for Fanconi anemia complementation group D1. Last evaluated: 2018-01-12. Review status: criteria provided, single submitter. Criteria: ICSL Variant Classification Criteria 13 December 2019. Collection method: clinical testing. Allele origin: germline.

Ambry Genetics
Classification: Uncertain significance for Hereditary cancer-predisposing syndrome. Last evaluated: 2016-01-08. Review status: criteria provided, single submitter. Criteria: Ambry Variant Classification Scheme 2023. Collection method: clinical testing. Allele origin: germline.
Comment: The p.E866K variant (also known as c.2596G>A), located in coding exon 10 of the BRCA2 gene, results from a G to A substitution at nucleotide position 2596. The glutamic acid at codon 866 is replaced by lysine, an amino acid with similar properties. This variant was not reported in population based cohorts in the following databases: Database of Single Nucleotide Polymorphisms (dbSNP), NHLBI Exome Sequencing Project (ESP), and 1000 Genomes Project. In the ESP, this variant was not observed in 6499 samples (12998 alleles) with coverage at this position. To date, this alteration has been detected with an allele frequency of approximately 0.0007% (greater than 300000 alleles tested) in our clinical cohort. This amino acid position is not well conserved in available vertebrate species. In addition, this alteration is predicted to be tolerated by in silico analysis. Since supporting evidence is limited at this time, the clinical significance of this alteration remains unclear.